The following is an entry in ClinVar:

ClinVar aggregate classification (germline): Likely pathogenic (1 of 4 stars; one submission).

Conditions:
Kostmann syndrome (SCN3). Also called: KOSTMANN DISEASE; Autosomal recessive severe congenital neutropenia type 3. Identifiers: Orphanet 99749, MedGen C5235141, MONDO:0012548, OMIM 610738.

gnomAD v4.1: 1 of 1,613,042 alleles (0.000062%); highest among the groups gnomAD compares: Non-Finnish European, 0.000085%; no homozygotes.

Submission:

Labcorp Genetics (formerly Invitae), Labcorp
Classification: Likely pathogenic for Kostmann syndrome. Last evaluated: 2025-07-13. Review status: criteria provided, single submitter. Criteria: Invitae Variant Classification Sherloc (09022015). Collection method: clinical testing. Allele origin: germline.
Comment: This sequence change affects a donor splice site in intron 3 of the HAX1 gene. It is expected to disrupt RNA splicing. Variants that disrupt the donor or acceptor splice site typically lead to a loss of protein function (PMID: 16199547), and loss-of-function variants in HAX1 are known to be pathogenic (PMID: 17187068). This variant is not present in population databases (gnomAD no frequency). This variant has not been reported in the literature in individuals affected with HAX1-related conditions. ClinVar contains an entry for this variant (Variation ID: 1518892). Algorithms developed to predict the effect of sequence changes on RNA splicing suggest that this variant may disrupt the consensus splice site. In summary, the currently available evidence indicates that the variant is pathogenic, but additional data are needed to prove that conclusively. Therefore, this variant has been classified as Likely Pathogenic.

Literature cited by the submitters: PubMed 16199547; PubMed 17187068.

NM_006118.4(HAX1):c.504+1G>A

Gene: HAX1 (HCLS1 associated protein X-1; plus strand). Cytogenetic location: 1q21.3.
Variant type: single nucleotide variant.
Coding change: c.504+1G>A on transcript NM_006118.4 (MANE Select); the canonical splice donor site of the intron after coding-DNA position 504, G replaced by A.
Molecular consequence: splice donor variant.
Genome position (GRCh38, 1-based): chr1:154,273,962, G>A. VCF-style: chr1-154273962-G-A. GRCh37 (hg19) VCF-style: chr1-154246438-G-A.
Other names: c.360+1G>A (NM_001018837.2).
Identifiers: ClinVar variation 1518892 (VCV001518892.6), dbSNP rs2149140065, ClinGen allele CA342592987.